The following is an entry in ClinVar:

NM_005245.4(FAT1):c.9249C>T (p.Thr3083=)

Gene: FAT1 (FAT atypical cadherin 1; minus strand). Cytogenetic location: 4q35.2.
Variant type: single nucleotide variant.
Coding change: c.9249C>T on transcript NM_005245.4 (MANE Select); coding-DNA position 9249, C replaced by T.
Protein change: p.Thr3083=; no amino-acid change (threonine 3083 retained).
Molecular consequence: synonymous variant.
Genome position (GRCh38, 1-based): chr4:186,613,323, G>A on the plus strand (C>T on the coding strand, the complement: FAT1 is on the minus strand). VCF-style: chr4-186613323-G-A. GRCh37 (hg19) VCF-style: chr4-187534477-G-A.
Other names: c.9249C>T (NM_005245.3).
Identifiers: ClinVar variation 1563852 (VCV001563852.10), dbSNP rs369364247, ClinGen allele CA3165679.

ClinVar aggregate classification (germline): Likely benign. Review status: criteria provided, single submitter (1 of 4 stars). 2 submissions from 2 submitters: Likely benign (1). 1 of the submissions does not count toward it. Last evaluated 2025-09-29.

Conditions:
FAT1-related disorder. Also called: FAT1-related condition.

Allele frequency attached by ClinVar (database versions not stated): gnomAD exomes 0.00002 and 0.00008; ExAC 0.00006; ESP Exome Variant Server 0.00024; gnomAD 0.00025 and 0.00026; TOPMed 0.00026.
gnomAD v4.1: 68 of 1,613,912 alleles (0.0042%); highest among the groups gnomAD compares: African/African-American, 0.087%; 1 homozygote.

Submissions (2):

Labcorp Genetics (formerly Invitae), Labcorp
Classification: Likely benign. Last evaluated: 2025-09-29. Review status: criteria provided, single submitter. Criteria: Invitae Variant Classification Sherloc (09022015). Collection method: clinical testing. Allele origin: germline.

PreventionGenetics, part of Exact Sciences
Classification: Likely benign for FAT1-related condition. Last evaluated: 2022-12-19. Review status: no assertion criteria provided. Collection method: clinical testing. Allele origin: germline. Not counted in ClinVar's aggregate classification.
Comment: This variant is classified as likely benign based on ACMG/AMP sequence variant interpretation guidelines (Richards et al. 2015 PMID: 25741868, with internal and published modifications).